The following is an entry in ClinVar:

ClinVar aggregate classification (germline): Likely benign. Review status: criteria provided, multiple submitters, no conflicts (2 of 4 stars). 2 submissions from 2 submitters: Likely benign (2). Last evaluated 2025-12-26.

Conditions:
Majeed syndrome (MJDS). Also called: CHRONIC RECURRENT MULTIFOCAL OSTEOMYELITIS 1, WITH CONGENITAL DYSERYTHROPOIETIC ANEMIA, WITH OR WITHOUT NEUTROPHILIC DERMATOSIS; LPIN2-Related Majeed Syndrome. Identifiers: Orphanet 77297, MedGen C1864997, MONDO:0012316, OMIM 609628.

Allele frequency attached by ClinVar (database versions not stated): ExAC 0.00002; TOPMed 0.00002; gnomAD exomes 0.00003; ESP Exome Variant Server 0.00015.
gnomAD v4.1: 59 of 1,614,112 alleles (0.0037%); highest among the groups gnomAD compares: Non-Finnish European, 0.0032%; no homozygotes.

Submissions (2):

Labcorp Genetics (formerly Invitae), Labcorp
Classification: Likely benign for Majeed syndrome. Last evaluated: 2025-12-26. Review status: criteria provided, single submitter. Criteria: Invitae Variant Classification Sherloc (09022015). Collection method: clinical testing. Allele origin: germline.

GeneDx
Classification: Likely benign. Last evaluated: 2016-07-20. Review status: criteria provided, single submitter. Criteria: GeneDx Variant Classification (06012015). Collection method: clinical testing. Allele origin: germline. Affected: yes.
Comment: This variant is considered likely benign or benign based on one or more of the following criteria: it is a conservative change, it occurs at a poorly conserved position in the protein, it is predicted to be benign by multiple in silico algorithms, and/or has population frequency not consistent with disease.

NM_001375808.2(LPIN2):c.540A>C (p.Thr180=)

Gene: LPIN2 (lipin 2; minus strand). Cytogenetic location: 18p11.31.
Variant type: single nucleotide variant.
Coding change: c.540A>C on transcript NM_001375808.2 (MANE Select); coding-DNA position 540, A replaced by C.
Protein change: p.Thr180=; no amino-acid change (threonine 180 retained).
Molecular consequence: synonymous variant.
Genome position (GRCh38, 1-based): chr18:2,951,105, T>G on the plus strand (A>C on the coding strand, the complement: LPIN2 is on the minus strand). VCF-style: chr18-2951105-T-G. GRCh37 (hg19) VCF-style: chr18-2951103-T-G.
Other names: c.540A>C, p.Thr180= (NM_001375809.1, NM_014646.2).
Identifiers: ClinVar variation 378092 (VCV000378092.9), dbSNP rs151135579, ClinGen allele CA8873535.